The following is an entry in ClinVar:

ClinVar aggregate classification (germline): Uncertain significance (1 of 4 stars; one submission).

Conditions:
Hereditary hyperekplexia. Identifiers: Orphanet 3197, MedGen C4084968, MONDO:0021022.

Allele frequency attached by ClinVar (database versions not stated): gnomAD exomes below 0.00001; ExAC 0.00001; gnomAD 0.00001; TOPMed 0.00001; ESP Exome Variant Server 0.00008.
gnomAD v4.1: 2 of 1,611,546 alleles (0.00012%); highest among the groups gnomAD compares: Non-Finnish European, 0.00017%; no homozygotes.

Submission:

Labcorp Genetics (formerly Invitae), Labcorp
Classification: Uncertain significance for Hereditary hyperekplexia. Last evaluated: 2022-02-04. Review status: criteria provided, single submitter. Criteria: Invitae Variant Classification Sherloc (09022015). Collection method: clinical testing. Allele origin: germline.
Comment: Advanced modeling of protein sequence and biophysical properties (such as structural, functional, and spatial information, amino acid conservation, physicochemical variation, residue mobility, and thermodynamic stability) performed at Invitae indicates that this missense variant is not expected to disrupt GLRA1 protein function. In summary, the available evidence is currently insufficient to determine the role of this variant in disease. Therefore, it has been classified as a Variant of Uncertain Significance. ClinVar contains an entry for this variant (Variation ID: 837979). This variant has not been reported in the literature in individuals affected with GLRA1-related conditions. This variant is present in population databases (rs372342365, gnomAD 0.0009%). This sequence change replaces alanine, which is neutral and non-polar, with aspartic acid, which is acidic and polar, at codon 366 of the GLRA1 protein (p.Ala366Asp).

NM_000171.4(GLRA1):c.1097C>A (p.Ala366Asp)

Gene: GLRA1 (glycine receptor alpha 1; minus strand). Cytogenetic location: 5q33.1.
Variant type: single nucleotide variant.
Coding change: c.1097C>A on transcript NM_000171.4 (MANE Select); coding-DNA position 1097, C replaced by A.
Protein change: p.Ala366Asp; replaces alanine 366 with aspartic acid.
Molecular consequence: missense variant.
Genome position (GRCh38, 1-based): chr5:151,822,926, G>T on the plus strand (C>A on the coding strand, the complement: GLRA1 is on the minus strand). VCF-style: chr5-151822926-G-T. GRCh37 (hg19) VCF-style: chr5-151202487-G-T.
Other names: c.1121C>A, p.Ala374Asp (NM_001146040.2); c.848C>A, p.Ala283Asp (NM_001292000.2); short protein forms A366D, A374D, A283D.
Identifiers: ClinVar variation 837979 (VCV000837979.9), dbSNP rs372342365, ClinGen allele CA3523509.
Genomic context (GRCh38, chr5:151,822,926, plus strand): 5'-TTGGCGCCCTTGACTGAGATGCCATCCTTGGCCTGTAGACAGGCTGGGCCCATCCCATAG[G>T]CAGAGAAGTTAAAGCGGCCTTCTCCAGCTTCATCCTCCTGGAATAGATTCAACATGGGGC-3'
Protein context (NP_000162.2, residues 356-376): EAGEGRFNFS[Ala366Asp]YGMGPACLQA